The following is an entry in ClinVar:

ClinVar aggregate classification (germline): Benign. Review status: criteria provided, multiple submitters, no conflicts (2 of 4 stars). 3 submissions from 3 submitters: Benign (3). Last evaluated 2021-09-05.

Conditions:
Oocyte maturation defect 7. Also called: OOCYTE/ZYGOTE/EMBRYO MATURATION ARREST 7. Identifiers: MedGen C5231407, MONDO:0032810, OMIM 618550.

Allele frequency attached by ClinVar (database versions not stated): ExAC 0.67069; gnomAD exomes 0.67599; 1000 Genomes Project 0.69828; ESP Exome Variant Server 0.70080; 1000 Genomes Project 30x 0.70456; gnomAD 0.70555 and 0.71108; TOPMed 0.72250.
gnomAD v4.1: 1,041,932 of 1,609,576 alleles (65%); highest among the groups gnomAD compares: African/African-American, 83%; 339,935 homozygotes.

Submissions (3):

Genome-Nilou Lab
Classification: Benign for Oocyte maturation defect 7. Last evaluated: 2021-09-05. Review status: criteria provided, single submitter. Criteria: ACMG Guidelines, 2015. Collection method: clinical testing. Allele origin: germline. Affected: no.

GeneDx
Classification: Benign. Last evaluated: 2019-11-29. Review status: criteria provided, single submitter. Criteria: GeneDx Variant Classification Process June 2021. Collection method: clinical testing. Allele origin: germline. Affected: yes.
Comment: This variant is associated with the following publications: (PMID: 25947940)

Breakthrough Genomics
Classification: Benign. Review status: criteria provided, single submitter. Criteria: ACMG Guidelines, 2015. Collection method: not provided. Allele origin: germline. Inheritance: Autosomal dominant inheritance. Affected: yes.

NM_015368.4(PANX1):c.15A>C (p.Gln5His)

Genes: PANX1 (pannexin 1; plus strand), LOC130006599 (ATAC-STARR-seq lymphoblastoid active region 5402; plus strand). Cytogenetic location: 11q21.
Variant type: single nucleotide variant.
Coding change: c.15A>C on transcript NM_015368.4 (MANE Select); coding-DNA position 15, A replaced by C.
Protein change: p.Gln5His; replaces glutamine 5 with histidine.
Molecular consequence: missense variant.
Genome position (GRCh38, 1-based): chr11:94,129,327, A>C. VCF-style: chr11-94129327-A-C. GRCh37 (hg19) VCF-style: chr11-93862493-A-C.
Other names: short protein forms Q5H.
Identifiers: ClinVar variation 1254433 (VCV001254433.5), dbSNP rs1138800, ClinGen allele CA6233876.